The following is an entry in ClinVar:

NM_007078.3(LDB3):c.442C>T (p.Arg148Trp)

Gene: LDB3 (LIM domain binding 3; plus strand). Cytogenetic location: 10q23.2.
Variant type: single nucleotide variant.
Coding change: c.442C>T on transcript NM_007078.3 (MANE Select); coding-DNA position 442, C replaced by T.
Protein change: p.Arg148Trp; replaces arginine 148 with tryptophan.
Molecular consequence: missense variant. On other transcripts: intron variant (5).
Genome position (GRCh38, 1-based): chr10:86,681,556, C>T. VCF-style: chr10-86681556-C-T. GRCh37 (hg19) VCF-style: chr10-88441313-C-T.
Other names: c.442C>T, p.Arg148Trp (NM_001171611.2, NM_001368063.1, NM_001368064.1 and 3 more transcripts); c.321+1399C>T (NM_001368068.1, NM_001368066.1, NM_001080114.2 and 2 more transcripts); short protein forms R148W.
Identifiers: ClinVar variation 520258 (VCV000520258.16), dbSNP rs536186237, ClinGen allele CA5584706.

ClinVar aggregate classification (germline): Conflicting classifications of pathogenicity. Review status: criteria provided, conflicting classifications (1 of 4 stars). 3 submissions from 3 submitters: Uncertain significance (2); Likely benign (1). Last evaluated 2024-12-17.

Conditions:
Cardiovascular phenotype. Identifiers: MedGen CN230736.
Myofibrillar myopathy 4. Also called: Zaspopathy (type). Identifiers: Orphanet 98912, MedGen C4721886, MONDO:0012277, OMIM 609452.

Allele frequency attached by ClinVar (database versions not stated): gnomAD 0.00001 and 0.00003; TOPMed 0.00003; gnomAD exomes 0.00004 and 0.00011; ExAC 0.00013; 1000 Genomes Project 30x 0.00016; 1000 Genomes Project 0.00020.
gnomAD v4.1: 66 of 1,612,984 alleles (0.0041%); highest among the groups gnomAD compares: Admixed American, 0.035%; 1 homozygote.

Submissions (3):

Labcorp Genetics (formerly Invitae), Labcorp
Classification: Uncertain significance for Myofibrillar myopathy 4. Last evaluated: 2024-12-17. Review status: criteria provided, single submitter. Criteria: Invitae Variant Classification Sherloc (09022015). Collection method: clinical testing. Allele origin: germline.
Comment: The LDB3 gene has multiple clinically relevant transcripts. This variant occurs in alternate transcript NM_007078.3, and corresponds to NM_001080116.1:c.321+1399C>T in the primary transcript. This sequence change replaces arginine, which is basic and polar, with tryptophan, which is neutral and slightly polar, at codon 148 of the LDB3 protein (p.Arg148Trp). This variant is present in population databases (rs536186237, gnomAD 0.05%), including at least one homozygous and/or hemizygous individual. This variant has not been reported in the literature in individuals affected with LDB3-related conditions. ClinVar contains an entry for this variant (Variation ID: 520258). Experimental studies and prediction algorithms are not available or were not evaluated, and the functional significance of this variant is currently unknown. Algorithms developed to predict the effect of sequence changes on RNA splicing suggest that this variant is not likely to affect RNA splicing. In summary, the available evidence is currently insufficient to determine the role of this variant in disease. Therefore, it has been classified as a Variant of Uncertain Significance.

Blueprint Genetics
Classification: Likely benign. Last evaluated: 2023-09-08. Review status: criteria provided, single submitter. Criteria: ACMG Guidelines, 2015. Collection method: clinical testing. Allele origin: germline.

Ambry Genetics
Classification: Uncertain significance for Cardiovascular phenotype. Last evaluated: 2023-03-16. Review status: criteria provided, single submitter. Criteria: Ambry Variant Classification Scheme 2023. Collection method: clinical testing. Allele origin: germline.
Comment: The p.R148W variant (also known as c.442C>T), located in coding exon 4 of the LDB3 gene, results from a C to T substitution at nucleotide position 442. The arginine at codon 148 is replaced by tryptophan, an amino acid with dissimilar properties. This amino acid position is poorly conserved in available vertebrate species. In addition, this alteration is predicted to be tolerated by in silico analysis. Since supporting evidence is limited at this time, the clinical significance of this alteration remains unclear.